The following is an entry in ClinVar:

ClinVar aggregate classification (germline): Uncertain significance (1 of 4 stars; one submission).

Conditions:
Nemaline myopathy 10 (NEM10). Identifiers: MedGen C4015360, MONDO:0014513, OMIM 616165.

gnomAD v4.1: 2 of 1,612,222 alleles (0.00012%); highest among the groups gnomAD compares: Non-Finnish European, 0.00017%; no homozygotes.

Submission:

Labcorp Genetics (formerly Invitae), Labcorp
Classification: Uncertain significance for Nemaline myopathy 10. Last evaluated: 2022-08-16. Review status: criteria provided, single submitter. Criteria: Invitae Variant Classification Sherloc (09022015). Collection method: clinical testing. Allele origin: germline.
Comment: ClinVar contains an entry for this variant (Variation ID: 1525358). This sequence change replaces aspartic acid, which is acidic and polar, with histidine, which is basic and polar, at codon 15 of the LMOD3 protein (p.Asp15His). This variant is not present in population databases (gnomAD no frequency). This variant has not been reported in the literature in individuals affected with LMOD3-related conditions. Algorithms developed to predict the effect of missense changes on protein structure and function are either unavailable or do not agree on the potential impact of this missense change (SIFT: "Tolerated"; PolyPhen-2: "Possibly Damaging"; Align-GVGD: "Class C0"). In summary, the available evidence is currently insufficient to determine the role of this variant in disease. Therefore, it has been classified as a Variant of Uncertain Significance.

NM_198271.5(LMOD3):c.43G>C (p.Asp15His)

Genes: LMOD3 (leiomodin 3; minus strand), LOC126806710 (CDK7 strongly-dependent group 2 enhancer GRCh37_chr3:69170601-69171800; plus strand). Cytogenetic location: 3p14.1.
Variant type: single nucleotide variant.
Coding change: c.43G>C on transcript NM_198271.5 (MANE Select); coding-DNA position 43, G replaced by C.
Protein change: p.Asp15His; replaces aspartic acid 15 with histidine.
Molecular consequence: missense variant.
Genome position (GRCh38, 1-based): chr3:69,122,344, C>G on the plus strand (G>C on the coding strand, the complement: LMOD3 is on the minus strand). VCF-style: chr3-69122344-C-G. GRCh37 (hg19) VCF-style: chr3-69171495-C-G.
Other names: c.43G>C, p.Asp15His (NM_001304418.3); short protein forms D15H.
Identifiers: ClinVar variation 1525358 (VCV001525358.8), dbSNP rs762330680, ClinGen allele CA353479866.